The following is an entry in ClinVar:

NM_000079.4(CHRNA1):c.357C>G (p.Asp119Glu)

Gene: CHRNA1 (cholinergic receptor nicotinic alpha 1 subunit; minus strand). Cytogenetic location: 2q31.1.
Variant type: single nucleotide variant.
Coding change: c.357C>G on transcript NM_000079.4 (MANE Select); coding-DNA position 357, C replaced by G.
Protein change: p.Asp119Glu; replaces aspartic acid 119 with glutamic acid.
Molecular consequence: missense variant.
Genome position (GRCh38, 1-based): chr2:174,754,402, G>C on the plus strand (C>G on the coding strand, the complement: CHRNA1 is on the minus strand). VCF-style: chr2-174754402-G-C. GRCh37 (hg19) VCF-style: chr2-175619130-G-C.
Other names: c.432C>G, p.Asp144Glu (NM_001039523.3); short protein forms D119E, D144E.
Identifiers: ClinVar variation 466178 (VCV000466178.9), dbSNP rs773509048, ClinGen allele CA1974560.

ClinVar aggregate classification (germline): Uncertain significance. Review status: criteria provided, multiple submitters, no conflicts (2 of 4 stars). 2 submissions from 2 submitters: Uncertain significance (2). Last evaluated 2026-01-19.

Conditions:
Lethal multiple pterygium syndrome (LMPS). Identifiers: Orphanet 33108, MedGen C1854678, MONDO:0009668, OMIM 253290.

Allele frequency attached by ClinVar (database versions not stated): gnomAD exomes below 0.00001; ExAC 0.00001.
gnomAD v4.1: 6 of 1,614,026 alleles (0.00037%); highest among the groups gnomAD compares: Middle Eastern, 0.017%; no homozygotes.

Submissions (2):

Labcorp Genetics (formerly Invitae), Labcorp
Classification: Uncertain significance for Lethal multiple pterygium syndrome. Last evaluated: 2026-01-19. Review status: criteria provided, single submitter. Criteria: Invitae Variant Classification Sherloc (09022015). Collection method: clinical testing. Allele origin: germline.
Comment: This sequence change replaces aspartic acid, which is acidic and polar, with glutamic acid, which is acidic and polar, at codon 119 of the CHRNA1 protein (p.Asp119Glu). This variant is present in population databases (rs773509048, gnomAD 0.003%). This variant has not been reported in the literature in individuals affected with CHRNA1-related conditions. ClinVar contains an entry for this variant (Variation ID: 466178). Invitae Evidence Modeling of protein sequence and biophysical properties (such as structural, functional, and spatial information, amino acid conservation, physicochemical variation, residue mobility, and thermodynamic stability) indicates that this missense variant is not expected to disrupt CHRNA1 protein function with a negative predictive value of 80%. In summary, the available evidence is currently insufficient to determine the role of this variant in disease. Therefore, it has been classified as a Variant of Uncertain Significance.

GeneDx
Classification: Uncertain significance. Last evaluated: 2019-12-19. Review status: criteria provided, single submitter. Criteria: GeneDx Variant Classification Process June 2021. Collection method: clinical testing. Allele origin: germline. Affected: yes.
Comment: In silico analysis, which includes protein predictors and evolutionary conservation, supports a deleterious effect; Has not been previously published as pathogenic or benign to our knowledge